The following is an entry in ClinVar:

NM_002180.3(IGHMBP2):c.2837G>A (p.Arg946Gln)

Gene: IGHMBP2 (immunoglobulin mu DNA binding protein 2; plus strand). Cytogenetic location: 11q13.3.
Variant type: single nucleotide variant.
Coding change: c.2837G>A on transcript NM_002180.3 (MANE Select); coding-DNA position 2837, G replaced by A.
Protein change: p.Arg946Gln; replaces arginine 946 with glutamine.
Molecular consequence: missense variant.
Genome position (GRCh38, 1-based): chr11:68,939,586, G>A. VCF-style: chr11-68939586-G-A. GRCh37 (hg19) VCF-style: chr11-68707054-G-A.
Other names: p.Arg946Gln; short protein forms R946Q.
Identifiers: ClinVar variation 246570 (VCV000246570.74), dbSNP rs149824485, ClinGen allele CA6154036.
Genomic context (GRCh38, chr11:68,939,586, plus strand): 5'-CTCCCCAGATCCATGGCTGCGGTGAGAGGGCTCGCGCCCATGCCCGGCAGAGAATCAGCC[G>A]GGAAGGGGTCCTCTATGCCGGCAGCGGGACCAAGAACGGATCCCTGGACCCAGCCAAGAG-3'
Protein context (NP_002171.2, residues 936-956): ARAHARQRIS[Arg946Gln]EGVLYAGSGT

ClinVar aggregate classification (germline): Conflicting classifications of pathogenicity. Review status: criteria provided, conflicting classifications (1 of 4 stars). 12 submissions from 12 submitters: Uncertain significance (7); Likely benign (5). Last evaluated 2026-08-01.

Conditions:
Charcot-Marie-Tooth disease axonal type 2S. Also called: CHARCOT-MARIE-TOOTH NEUROPATHY, TYPE 2S; CHARCOT-MARIE-TOOTH DISEASE, AXONAL, AUTOSOMAL RECESSIVE, TYPE 2S. Identifiers: Orphanet 443073, MedGen C4015349, MONDO:0014511, OMIM 616155.
Autosomal recessive distal spinal muscular atrophy 1. Also called: NEURONOPATHY, SEVERE INFANTILE AXONAL, WITH RESPIRATORY FAILURE; SEVERE INFANTILE AXONAL NEUROPATHY WITH RESPIRATORY FAILURE; SPINAL MUSCULAR ATROPHY, DIAPHRAGMATIC; Spinal muscular atrophy with respiratory distress 1; HMN VI; NEURONOPATHY, DISTAL HEREDITARY MOTOR, HARDING TYPE VI. Identifiers: Orphanet 98920, MedGen C1858517, MONDO:0011436, OMIM 604320.
Charcot-Marie-Tooth disease. Also called: Charcot-Marie-Tooth Hereditary Neuropathy; Charcot-Marie-Tooth Neuropathy. Identifiers: Orphanet 166, MedGen C0007959, MONDO:0015626.
Inborn genetic diseases. Identifiers: MedGen C0950123, MeSH D030342.

Allele frequency attached by ClinVar (database versions not stated): gnomAD exomes 0.00062 and 0.00079; ExAC 0.00067; gnomAD 0.00067 and 0.00108; ESP Exome Variant Server 0.00085; TOPMed 0.00209.

Submissions (12):

CeGaT Center for Human Genetics Tuebingen
Classification: Likely benign. Last evaluated: 2026-08-01. Review status: criteria provided, single submitter. Criteria: CeGaT Center For Human Genetics Tuebingen Variant Classification Criteria Version 2. Collection method: clinical testing. Allele origin: germline. Affected: yes. Observed: 7 variant alleles.
Comment: IGHMBP2: BP4

Labcorp Genetics (formerly Invitae), Labcorp
Classification: Likely benign for Autosomal recessive distal spinal muscular atrophy 1; Charcot-Marie-Tooth disease axonal type 2S. Last evaluated: 2025-11-24. Review status: criteria provided, single submitter. Criteria: Invitae Variant Classification Sherloc (09022015). Collection method: clinical testing. Allele origin: germline.

Women's Health and Genetics/Laboratory Corporation of America, LabCorp
Classification: Likely benign. Last evaluated: 2024-12-10. Review status: criteria provided, single submitter. Criteria: LabCorp Variant Classification Summary - May 2015. Collection method: clinical testing. Allele origin: germline.
Comment: Variant summary: IGHMBP2 c.2837G>A (p.Arg946Gln) results in a conservative amino acid change located in the AN1-like Zinc finger (IPR000058) of the encoded protein sequence. Four of five in-silico tools predict a benign effect of the variant on protein function. The variant allele was found at a frequency of 0.00062 in 250540 control chromosomes, predominantly at a frequency of 0.0012 within the Non-Finnish European subpopulation in the gnomAD database. The observed variant frequency within Non-Finnish European control individuals in the gnomAD database is approximately 1.073 fold of the estimated maximal expected allele frequency for a pathogenic variant in IGHMBP2 causing Charcot-Marie-Tooth disease axonal type 2S phenotype (0.0011). To our knowledge, no occurrence of c.2837G>A in individuals affected with Charcot-Marie-Tooth disease axonal type 2S and no experimental evidence demonstrating its impact on protein function have been reported. ClinVar contains an entry for this variant (Variation ID: 246570). Based on the evidence outlined above, the variant was classified as likely benign.

Mayo Clinic Laboratories, Mayo Clinic
Classification: Likely benign. Last evaluated: 2024-11-22. Review status: criteria provided, single submitter. Criteria: ACMG Guidelines, 2015. Collection method: clinical testing. Allele origin: germline. Observed: 3 variant alleles.
Comment: BS1, BP4

ARUP Laboratories, Molecular Genetics and Genomics, ARUP Laboratories
Classification: Uncertain significance. Last evaluated: 2024-04-12. Review status: criteria provided, single submitter. Criteria: ARUP Molecular Germline Variant Investigation Process 2024. Collection method: clinical testing. Allele origin: germline.
Comment: The IGHMBP2 c.2837G>A; p.Arg946Gln variant (rs149824485) is reported in a cohort of Charcot-Marie-Tooth disease (Volodarsky 2021). This variant is also reported in ClinVar (Variation ID: 246570). This variant is observed in the general population with an overall allele frequency of 0.06% (183/281926 alleles) in the Genome Aggregation Database. Computational analyses predict that this variant is neutral (REVEL: 0.089). Due to limited information, the clinical significance of this variant is uncertain at this time. References: Volodarsky M et al. Comprehensive genetic sequence and copy number analysis for Charcot-Marie-Tooth disease in a Canadian cohort of 2517 patients. J Med Genet. 2021 Apr;58(4):284-288. PMID: 32376792.

Ambry Genetics
Classification: Uncertain significance for Inborn genetic diseases. Last evaluated: 2023-10-05. Review status: criteria provided, single submitter. Criteria: Ambry Variant Classification Scheme 2023. Collection method: clinical testing. Allele origin: germline.

Department of Pathology and Laboratory Medicine, Sinai Health System
Classification: Uncertain significance for Autosomal recessive distal spinal muscular atrophy 1; Charcot-Marie-Tooth disease axonal type 2S. Last evaluated: 2023-09-01. Review status: criteria provided, single submitter. Criteria: ACMG Guidelines, 2015. Collection method: research. Allele origin: germline.

GeneDx
Classification: Uncertain significance. Last evaluated: 2022-11-28. Review status: criteria provided, single submitter. Criteria: GeneDx Variant Classification Process June 2021. Collection method: clinical testing. Allele origin: germline. Affected: yes.
Comment: Reported in a single individual with CMT and classified as a variant of uncertain signficance by the authors; no information about patient phenotype or segregation was provided (Volodarsky et al., 2021); In silico analysis supports that this missense variant does not alter protein structure/function; This variant is associated with the following publications: (PMID: 32376792)

Revvity Omics, Revvity
Classification: Uncertain significance. Last evaluated: 2020-03-06. Review status: criteria provided, single submitter. Criteria: ACMG Guidelines, 2015. Collection method: clinical testing. Allele origin: germline.

Athena Diagnostics
Classification: Likely benign. Last evaluated: 2019-02-27. Review status: criteria provided, single submitter. Criteria: Athena Diagnostics Criteria. Collection method: clinical testing. Allele origin: germline.

Illumina Laboratory Services, Illumina
Classification: Uncertain significance for Autosomal recessive distal spinal muscular atrophy 1. Last evaluated: 2018-01-12. Review status: criteria provided, single submitter. Criteria: ICSL Variant Classification Criteria 13 December 2019. Collection method: clinical testing. Allele origin: germline.

Molecular Genetics Laboratory, London Health Sciences Centre
Classification: Uncertain significance for Charcot-Marie-Tooth disease. Review status: criteria provided, single submitter. Criteria: ACMG Guidelines, 2015. Collection method: clinical testing. Allele origin: germline. Affected: yes.

Literature cited by the submitters: PubMed 32376792 (cited by Mayo Clinic Laboratories, Mayo Clinic).